The following is an entry in ClinVar:

ClinVar aggregate classification (germline): Conflicting classifications of pathogenicity. Review status: criteria provided, conflicting classifications (1 of 4 stars). 13 submissions from 13 submitters: Uncertain significance (11); Likely benign (1). 1 of the submissions does not count toward it. Last evaluated 2026-01-18.

Conditions:
MSH6-related disorder. Also called: MSH6-Related disorders; MSH6-related condition.
Hereditary nonpolyposis colorectal neoplasms. Identifiers: MedGen C0009405, MeSH D003123.
Hereditary cancer-predisposing syndrome. Also called: Tumor predisposition; Neoplastic Syndromes, Hereditary; Hereditary neoplastic syndrome; Hereditary Cancer Syndrome. Identifiers: Orphanet 140162, MedGen C0027672, MeSH D009386, MONDO:0015356.
Lynch syndrome. Identifiers: Orphanet 144, MedGen C4552100, MONDO:0005835. Disease mechanism: loss of function.
Lynch syndrome 5 (LYNCH5). Also called: Colorectal cancer, hereditary nonpolyposis, type 5; Hereditary non-polyposis colorectal cancer, type 5. Identifiers: Orphanet 144, MedGen C1833477, MONDO:0013710, OMIM 614350. Disease mechanism: loss of function.
Endometrial carcinoma. Also called: Endometrial carcinoma, somatic. Identifiers: MedGen C0476089, MONDO:0002447, OMIM 608089, HP:0012114.

Allele frequency attached by ClinVar (database versions not stated): gnomAD 0.00001; TOPMed 0.00001; ExAC 0.00001.
gnomAD v4.1: 6 of 1,613,920 alleles (0.00037%); highest among the groups gnomAD compares: Non-Finnish European, 0.00051%; no homozygotes.

Submissions (13):

Labcorp Genetics (formerly Invitae), Labcorp
Classification: Likely benign for Hereditary nonpolyposis colorectal neoplasms. Last evaluated: 2026-01-18. Review status: criteria provided, single submitter. Criteria: Invitae Variant Classification Sherloc (09022015). Collection method: clinical testing. Allele origin: germline.

Ambry Genetics
Classification: Uncertain significance for Hereditary cancer-predisposing syndrome. Last evaluated: 2025-06-26. Review status: criteria provided, single submitter. Criteria: Ambry Variant Classification Scheme 2023. Collection method: clinical testing. Allele origin: germline.
Comment: The p.S238Y variant (also known as c.713C>A), located in coding exon 4 of the MSH6 gene, results from a C to A substitution at nucleotide position 713. The serine at codon 238 is replaced by tyrosine, an amino acid with dissimilar properties. This amino acid position is not well conserved in available vertebrate species. In addition, this alteration is predicted to be tolerated by in silico analysis. Based on the available evidence, the clinical significance of this variant remains unclear.

PreventionGenetics, part of Exact Sciences
Classification: Uncertain significance for MSH6-related condition. Last evaluated: 2025-04-30. Review status: criteria provided, single submitter. Criteria: ACMG Guidelines, 2015. Collection method: clinical testing. Allele origin: germline.
Comment: The MSH6 c.713C>A variant is predicted to result in the amino acid substitution p.Ser238Tyr. This variant was reported in an individual undergoing germline genetic testing for cancer with microsatellite instability (Table S5, Li et al. 2019. PubMed ID: 31391288). This variant is reported in 0.0016% of alleles in individuals of European (Non-Finnish) descent in gnomAD and has conflicting interpretations of pathogenicity in ClinVar ranging from likely benign to uncertain. At this time, the clinical significance of this variant is uncertain due to the absence of conclusive functional and genetic evidence.

Women's Health and Genetics/Laboratory Corporation of America, LabCorp
Classification: Uncertain significance. Last evaluated: 2025-04-03. Review status: criteria provided, single submitter. Criteria: LabCorp Variant Classification Summary - May 2015. Collection method: clinical testing. Allele origin: germline.
Comment: Variant summary: MSH6 c.713C>A (p.Ser238Tyr) results in a non-conservative amino acid change in the encoded protein sequence. Three of five in-silico tools predict a benign effect of the variant on protein function. The variant allele was found at a frequency of 4e-06 in 250978 control chromosomes. The available data on variant occurrences in the general population are insufficient to allow any conclusion about variant significance. c.713C>A has been reported in the literature in an individual with an unspecified type of cancer suspected of Lynch Syndrome, without strong evidence for causality (Li_2020). This report does not provide unequivocal conclusions about association of the variant with Lynch Syndrome. To our knowledge, no experimental evidence demonstrating an impact on protein function has been reported. The following publication has been ascertained in the context of this evaluation (PMID: 31391288). ClinVar contains an entry for this variant (Variation ID: 142508). Based on the evidence outlined above, the variant was classified as uncertain significance.

Revvity Omics, Revvity
Classification: Uncertain significance. Last evaluated: 2024-06-05. Review status: criteria provided, single submitter. Criteria: ACMG Guidelines, 2015. Collection method: clinical testing. Allele origin: germline.

Baylor Genetics
Classification: Uncertain significance for Endometrial carcinoma. Last evaluated: 2024-02-18. Review status: criteria provided, single submitter. Criteria: ACMG Guidelines, 2015. Collection method: clinical testing. Allele origin: unknown.

All of Us Research Program, National Institutes of Health
Classification: Uncertain significance for Lynch syndrome. Last evaluated: 2023-11-20. Review status: criteria provided, single submitter. Criteria: ACMG Guidelines, 2015. Collection method: clinical testing. Allele origin: germline. Inheritance: Autosomal dominant inheritance. Observed: 4 variant alleles, 4 heterozygotes.
Comment: This missense variant replaces serine with tyrosine at codon 238 of the MSH6 protein. Computational prediction suggests that this variant may not impact protein structure and function (internally defined REVEL score threshold <= 0.5, PMID: 27666373). To our knowledge, functional studies have not been reported for this variant. This variant has been reported in an individual affected with an unspecified, Lynch syndrome-associated cancer (PMID: 31391288). This variant has been identified in 2/282376 chromosomes in the general population by the Genome Aggregation Database (gnomAD). The available evidence is insufficient to determine the role of this variant in disease conclusively. Therefore, this variant is classified as a Variant of Uncertain Significance.

This study involves interpretation of variants in research participants for the purpose of population health screening. Participant phenotype was not available at the time of variant classification. Additional details can be found in publication PMID: 35346344, PMCID: PMC8962531

Color Diagnostics, LLC DBA Color Health
Classification: Uncertain significance for Hereditary cancer-predisposing syndrome. Last evaluated: 2023-11-01. Review status: criteria provided, single submitter. Criteria: ACMG Guidelines, 2015. Collection method: clinical testing. Allele origin: germline.
Comment: This missense variant replaces serine with tyrosine at codon 238 of the MSH6 protein. Computational prediction suggests that this variant may not impact protein structure and function (internally defined REVEL score threshold <= 0.5, PMID: 27666373). To our knowledge, functional studies have not been reported for this variant. This variant has been reported in an individual affected with an unspecified, Lynch syndrome-associated cancer (PMID: 31391288). This variant has been identified in 2/282376 chromosomes in the general population by the Genome Aggregation Database (gnomAD). The available evidence is insufficient to determine the role of this variant in disease conclusively. Therefore, this variant is classified as a Variant of Uncertain Significance.

GeneDx
Classification: Uncertain significance. Last evaluated: 2023-05-10. Review status: criteria provided, single submitter. Criteria: GeneDx Variant Classification Process June 2021. Collection method: clinical testing. Allele origin: germline. Affected: yes.
Comment: Not observed at significant frequency in large population cohorts (gnomAD); In silico analysis supports that this missense variant does not alter protein structure/function; Has not been previously published as pathogenic or benign to our knowledge; This variant is associated with the following publications: (PMID: 21437237)

Myriad Genetics, Inc.
Classification: Uncertain significance for Lynch syndrome 5. Last evaluated: 2023-03-29. Review status: criteria provided, single submitter. Criteria: Myriad Autosomal Dominant, Autosomal Recessive and X-Linked Classification Criteria (2023). Collection method: clinical testing. Allele origin: unknown.
Comment: This variant is classified as a variant of uncertain significance as there is insufficient evidence to determine its impact on protein function and/or cancer risk.

Institute for Clinical Genetics, University Hospital TU Dresden, University Hospital TU Dresden
Classification: Uncertain significance. Last evaluated: 2021-11-03. Review status: criteria provided, single submitter. Criteria: ACMG Guidelines, 2015. Collection method: clinical testing. Allele origin: germline.

Quest Diagnostics Nichols Institute San Juan Capistrano
Classification: Uncertain significance. Last evaluated: 2016-11-23. Review status: criteria provided, single submitter. Criteria: Quest Diagnostics criteria. Collection method: clinical testing. Allele origin: germline.

Counsyl
Classification: Uncertain significance for Lynch syndrome 5. Last evaluated: 2016-03-08. Review status: no assertion criteria provided. Collection method: clinical testing. Allele origin: unknown. Not counted in ClinVar's aggregate classification.

Literature cited by the submitters: PubMed 31391288 (cited by 3 submitters).

NM_000179.3(MSH6):c.713C>A (p.Ser238Tyr)

Gene: MSH6 (mutS homolog 6; plus strand). Cytogenetic location: 2p16.3.
Variant type: single nucleotide variant.
Coding change: c.713C>A on transcript NM_000179.3 (MANE Select); coding-DNA position 713, C replaced by A.
Protein change: p.Ser238Tyr; replaces serine 238 with tyrosine.
Molecular consequence: missense variant. On other transcripts: 5 prime UTR variant (2).
Genome position (GRCh38, 1-based): chr2:47,798,696, C>A. VCF-style: chr2-47798696-C-A. GRCh37 (hg19) VCF-style: chr2-48025835-C-A.
Other names: c.323C>A, p.Ser108Tyr (NM_001281492.2); c.-194C>A (NM_001281493.2, NM_001281494.2); short protein forms S238Y, S108Y.
Identifiers: ClinVar variation 142508 (VCV000142508.37), dbSNP rs587782510, ClinGen allele CA016318.